The following is an entry in ClinVar:

NM_001972.4(ELANE):c.677G>A (p.Gly226Glu)

Gene: ELANE (elastase, neutrophil expressed; plus strand). Cytogenetic location: 19p13.3.
Variant type: single nucleotide variant.
Coding change: c.677G>A on transcript NM_001972.4 (MANE Select); coding-DNA position 677, G replaced by A.
Protein change: p.Gly226Glu; replaces glycine 226 with glutamic acid.
Molecular consequence: missense variant.
Genome position (GRCh38, 1-based): chr19:856,037, G>A. VCF-style: chr19-856037-G-A. GRCh37 (hg19) VCF-style: chr19-856037-G-A.
Other names: short protein forms G226E.
Identifiers: ClinVar variation 3507763 (VCV003507763.1).

ClinVar aggregate classification (germline): Uncertain significance (1 of 4 stars; one submission).

Conditions:
Inborn genetic diseases. Identifiers: MedGen C0950123, MeSH D030342.

gnomAD v4.1: 1 of 1,613,452 alleles (0.000062%); highest among the groups gnomAD compares: Non-Finnish European, 0.000085%; no homozygotes.

Submission:

Ambry Genetics
Classification: Uncertain significance for Inborn genetic diseases. Last evaluated: 2024-11-28. Review status: criteria provided, single submitter. Criteria: Ambry Variant Classification Scheme 2023. Collection method: clinical testing. Allele origin: germline.
Comment: The p.G226E variant (also known as c.677G>A), located in coding exon 5 of the ELANE gene, results from a G to A substitution at nucleotide position 677. The glycine at codon 226 is replaced by glutamic acid, an amino acid with similar properties. This amino acid position is conserved. In addition, the in silico prediction for this alteration is inconclusive. Based on the available evidence, the clinical significance of this variant remains unclear.